The following is an entry in ClinVar:

GRCh38/hg38 6p25.3-25.1(chr6:107682-4978781)x1

Genes: BPHL (biphenyl hydrolase like; plus strand), C6orf201 (chromosome 6 open reading frame 201; plus strand), CDYL (chromodomain Y like; plus strand), CDYL-AS1 (CDYL antisense RNA 1; minus strand), DUSP22 (dual specificity phosphatase 22; plus strand) and 256 more. Cytogenetic location: 6p25.3-25.1.
Variant type: copy number loss.
Change: copy number 1 (one copy instead of two) of chr6:107,682-4,978,781 (4.87 Mb, GRCh38 coordinates, 1-based), cytogenetic band 6p25.3-25.1.
Identifiers: ClinVar variation 58405 (VCV000058405.2).

ClinVar aggregate classification (germline): Pathogenic (1 of 4 stars; one submission).

Submission:

ISCA Site 6
Classification: Pathogenic. Last evaluated: 2011-08-12. Review status: criteria provided, single submitter. Criteria: Kaminsky et al. (Genet Med. 2011). Collection method: clinical testing. Allele origin: de novo. Affected: yes. Observed: 1 variant allele.
Comment: Copy number variation identified through the course of routine clinical cytogenomic testing in postnatal populations. Clinical assertions have been curated as described in Kaminsky et al. 2011.